The following is an entry in ClinVar:

ClinVar aggregate classification (germline): Benign/Likely benign. Review status: criteria provided, multiple submitters, no conflicts (2 of 4 stars). 4 submissions from 4 submitters: Benign (3); Likely benign (1). Last evaluated 2026-05-11.

Conditions:
Iodotyrosyl coupling defect (TDH3). Also called: HYPOTHYROIDISM, CONGENITAL, DUE TO DYSHORMONOGENESIS, 3; THYROID HORMONOGENESIS, GENETIC DEFECT IN, 3. Identifiers: Orphanet 95716, MedGen C0342194, MONDO:0010135, OMIM 274700.

Allele frequency attached by ClinVar (database versions not stated): TOPMed 0.09186; 1000 Genomes Project 30x 0.09432; 1000 Genomes Project 0.08886; ESP Exome Variant Server 0.09242.
gnomAD v4.1: 25,210 of 1,614,096 alleles (1.6%); highest among the groups gnomAD compares: African/African-American, 28%; 3,037 homozygotes.

Submissions (4):

Women's Health and Genetics/Laboratory Corporation of America, LabCorp
Classification: Likely benign. Last evaluated: 2026-05-11. Review status: criteria provided, single submitter. Criteria: LabCorp Variant Classification Summary - May 2015. Collection method: clinical testing. Allele origin: germline.

Labcorp Genetics (formerly Invitae), Labcorp
Classification: Benign. Last evaluated: 2026-02-02. Review status: criteria provided, single submitter. Criteria: Invitae Variant Classification Sherloc (09022015). Collection method: clinical testing. Allele origin: germline.

Illumina Laboratory Services, Illumina
Classification: Benign for Iodotyrosyl coupling defect. Last evaluated: 2018-01-12. Review status: criteria provided, single submitter. Criteria: ICSL Variant Classification Criteria 13 December 2019. Collection method: clinical testing. Allele origin: germline.
Comment: This variant was observed in the ICSL laboratory as part of a predisposition screen in an ostensibly healthy population. It had not been previously curated by ICSL or reported in the Human Gene Mutation Database (HGMD: prior to June 1st, 2018), and was therefore a candidate for classification through an automated scoring system. Utilizing variant allele frequency, disease prevalence and penetrance estimates, and inheritance mode, an automated score was calculated to assess if this variant is too frequent to cause the disease. Based on the score and internal cut-off values, a variant classified as benign is not then subjected to further curation. The score for this variant resulted in a classification of benign for this disease.

Breakthrough Genomics
Classification: Benign. Review status: criteria provided, single submitter. Criteria: ACMG Guidelines, 2015. Collection method: not provided. Allele origin: germline. Inheritance: Autosomal recessive inheritance. Affected: yes.

NM_003235.5(TG):c.7847A>G (p.Asn2616Ser)

Gene: TG (thyroglobulin; plus strand). Cytogenetic location: 8q24.22.
Variant type: single nucleotide variant.
Coding change: c.7847A>G on transcript NM_003235.5 (MANE Select); coding-DNA position 7847, A replaced by G.
Protein change: p.Asn2616Ser; replaces asparagine 2616 with serine.
Molecular consequence: missense variant.
Genome position (GRCh38, 1-based): chr8:133,116,701, A>G. VCF-style: chr8-133116701-A-G. GRCh37 (hg19) VCF-style: chr8-134128945-A-G.
Other names: short protein forms N2616S.
Identifiers: ClinVar variation 362002 (VCV000362002.10), dbSNP rs10091530, ClinGen allele CA4885806.
Genomic context (GRCh38, chr8:133,116,701, plus strand): 5'-TGGCCAGTGCCTGGGCAAAGAGGGCCCGAGGAAACGTCTTCATGTACCATGCTCCTGAAA[A>G]CTACGGCCATGGCAGGTAAGACGCTGCAGGGAAGCAGAGAAAGGAAGGTAAAACCGAATG-3'
Protein context (NP_003226.4, residues 2606-2626): GNVFMYHAPE[Asn2616Ser]YGHGSLELLA